The following is an entry in ClinVar:

NM_005236.3(ERCC4):c.2434T>C (p.Leu812=)

Gene: ERCC4 (ERCC excision repair 4, endonuclease catalytic subunit; plus strand). Cytogenetic location: 16p13.12.
Variant type: single nucleotide variant.
Coding change: c.2434T>C on transcript NM_005236.3 (MANE Select); coding-DNA position 2434, T replaced by C.
Protein change: p.Leu812=; no amino-acid change (leucine 812 retained).
Molecular consequence: synonymous variant.
Genome position (GRCh38, 1-based): chr16:13,948,030, T>C. VCF-style: chr16-13948030-T-C. GRCh37 (hg19) VCF-style: chr16-14041887-T-C.
Identifiers: ClinVar variation 1534696 (VCV001534696.32), dbSNP rs1295720869, ClinGen allele CA493690065.

ClinVar aggregate classification (germline): Likely benign. Review status: criteria provided, multiple submitters, no conflicts (2 of 4 stars). 3 submissions from 3 submitters: Likely benign (3). Last evaluated 2026-06-01.

Conditions:
Fanconi anemia complementation group Q. Identifiers: Orphanet 84, MedGen C3808988, MONDO:0014108, OMIM 615272.
Xeroderma pigmentosum, group F (XPF). Also called: XERODERMA PIGMENTOSUM, TYPE F; Xeroderma pigmentosum, type 6; XERODERMA PIGMENTOSUM, COMPLEMENTATION GROUP F; ERCC4-Related Xeroderma Pigmentosum; XERODERMA PIGMENTOSUM VI; XP, GROUP F. Identifiers: MedGen C0268140, MONDO:0010215, OMIM 278760.
Cockayne syndrome. Identifiers: Orphanet 191, MedGen C0009207, MONDO:0016006.

Allele frequency attached by ClinVar (database versions not stated): gnomAD 0.00001; gnomAD exomes 0.00001 and 0.00002; TOPMed 0.00002.
gnomAD v4.1: 34 of 1,613,606 alleles (0.0021%); highest among the groups gnomAD compares: Middle Eastern, 0.016%; no homozygotes.

Submissions (3):

CeGaT Center for Human Genetics Tuebingen
Classification: Likely benign. Last evaluated: 2026-06-01. Review status: criteria provided, single submitter. Criteria: CeGaT Center For Human Genetics Tuebingen Variant Classification Criteria Version 2. Collection method: clinical testing. Allele origin: germline. Affected: yes. Observed: 3 variant alleles.
Comment: ERCC4: BP4, BP7

Labcorp Genetics (formerly Invitae), Labcorp
Classification: Likely benign for Fanconi anemia complementation group Q; Xeroderma pigmentosum, group F; Cockayne syndrome. Last evaluated: 2025-12-03. Review status: criteria provided, single submitter. Criteria: Invitae Variant Classification Sherloc (09022015). Collection method: clinical testing. Allele origin: germline.

Blueprint Genetics
Classification: Likely benign. Last evaluated: 2023-09-20. Review status: criteria provided, single submitter. Criteria: ACMG Guidelines, 2015. Collection method: clinical testing. Allele origin: germline.